The following is an entry in ClinVar:

ClinVar aggregate classification (germline): Likely benign (1 of 4 stars; one submission).

Submission:

CeGaT Center for Human Genetics Tuebingen
Classification: Likely benign. Last evaluated: 2022-11-01. Review status: criteria provided, single submitter. Criteria: CeGaT Center For Human Genetics Tuebingen Variant Classification Criteria Version 2. Collection method: clinical testing. Allele origin: germline. Affected: yes. Observed: 2 variant alleles.
Comment: SETD1B: PM2, PP2, BS2

NM_001353345.2(SETD1B):c.725C>G (p.Ser242Cys)

Gene: SETD1B (SET domain containing 1B, histone lysine methyltransferase; plus strand). Cytogenetic location: 12q24.31.
Variant type: single nucleotide variant.
Coding change: c.725C>G on transcript NM_001353345.2 (MANE Select); coding-DNA position 725, C replaced by G.
Protein change: p.Ser242Cys; replaces serine 242 with cysteine.
Molecular consequence: missense variant.
Genome position (GRCh38, 1-based): chr12:121,809,670, C>G. VCF-style: chr12-121809670-C-G. GRCh37 (hg19) VCF-style: chr12-122247576-C-G.
Other names: short protein forms S242C.
Identifiers: ClinVar variation 1711354 (VCV001711354.30), dbSNP rs2500181970, ClinGen allele CA386989896.